The following is an entry in ClinVar:

ClinVar aggregate classification (germline): Conflicting classifications of pathogenicity. Review status: criteria provided, conflicting classifications (1 of 4 stars). 7 submissions from 7 submitters: Uncertain significance (1); Likely benign (6). Last evaluated 2025-11-18.

Conditions:
KMT2D-related disorder. Also called: KMT2D-Related Disorders.
Kabuki syndrome. Also called: Kabuki make-up syndrome; NIIKAWA-KUROKI SYNDROME. Identifiers: Orphanet 2322, MedGen C0796004, MONDO:0016512.

Allele frequency attached by ClinVar (database versions not stated): ExAC 0.00009; gnomAD exomes 0.00010 and 0.00018; gnomAD 0.00011; TOPMed 0.00014; ESP Exome Variant Server 0.00016.
gnomAD v4.1: 278 of 1,613,356 alleles (0.017%); highest among the groups gnomAD compares: Non-Finnish European, 0.021%; no homozygotes.

Submissions (7):

Labcorp Genetics (formerly Invitae), Labcorp
Classification: Likely benign for Kabuki syndrome. Last evaluated: 2025-11-18. Review status: criteria provided, single submitter. Criteria: Invitae Variant Classification Sherloc (09022015). Collection method: clinical testing. Allele origin: germline.

CeGaT Center for Human Genetics Tuebingen
Classification: Likely benign. Last evaluated: 2024-08-01. Review status: criteria provided, single submitter. Criteria: CeGaT Center For Human Genetics Tuebingen Variant Classification Criteria Version 2. Collection method: clinical testing. Allele origin: germline. Affected: yes. Observed: 1 variant allele.
Comment: KMT2D: BS1

ARUP Laboratories, Molecular Genetics and Genomics, ARUP Laboratories
Classification: Likely benign. Last evaluated: 2023-09-20. Review status: criteria provided, single submitter. Criteria: ARUP Molecular Germline Variant Investigation Process 2024. Collection method: clinical testing. Allele origin: germline.

Blueprint Genetics
Classification: Likely benign. Last evaluated: 2023-07-12. Review status: criteria provided, single submitter. Criteria: ACMG Guidelines, 2015. Collection method: clinical testing. Allele origin: germline.

PreventionGenetics, part of Exact Sciences
Classification: Uncertain significance for KMT2D-related condition. Last evaluated: 2023-07-12. Review status: criteria provided, single submitter. Criteria: ACMG Guidelines, 2015. Collection method: clinical testing. Allele origin: germline.
Comment: The KMT2D c.1490C>T variant is predicted to result in the amino acid substitution p.Pro497Leu. To our knowledge, this variant has not been reported in the literature. This variant is reported in 0.023% of alleles in individuals of Latino descent in gnomAD, which may be too common to be causative of disease. Although we suspect that this variant may be benign, at this time, the clinical significance of this variant is uncertain due to the absence of conclusive functional and genetic evidence.

GeneDx
Classification: Likely benign. Last evaluated: 2020-07-06. Review status: criteria provided, single submitter. Criteria: GeneDx Variant Classification Process June 2021. Collection method: clinical testing. Allele origin: germline. Affected: yes.

Genetic Services Laboratory, University of Chicago
Classification: Likely benign. Last evaluated: 2014-10-24. Review status: criteria provided, single submitter. Criteria: ACMG Guidelines, 2015. Collection method: clinical testing. Allele origin: germline.

NM_003482.4(KMT2D):c.1490C>T (p.Pro497Leu)

Gene: KMT2D (lysine methyltransferase 2D; minus strand). Cytogenetic location: 12q13.12.
Variant type: single nucleotide variant.
Coding change: c.1490C>T on transcript NM_003482.4 (MANE Select); coding-DNA position 1490, C replaced by T.
Protein change: p.Pro497Leu; replaces proline 497 with leucine.
Molecular consequence: missense variant.
Genome position (GRCh38, 1-based): chr12:49,052,193, G>A on the plus strand (C>T on the coding strand, the complement: KMT2D is on the minus strand). VCF-style: chr12-49052193-G-A. GRCh37 (hg19) VCF-style: chr12-49445976-G-A.
Other names: short protein forms P497L.
Identifiers: ClinVar variation 211318 (VCV000211318.36), dbSNP rs371421459, ClinGen allele CA206392.